The following is an entry in ClinVar:

ClinVar aggregate classification (germline): Likely benign (1 of 4 stars; one submission).

Conditions:
INO80-related disorder. Also called: INO80-related condition.

Submission:

PreventionGenetics, part of Exact Sciences
Classification: Likely benign for INO80-related condition. Last evaluated: 2026-09-16. Review status: criteria provided, single submitter. Criteria: ACMG Guidelines, 2015. Collection method: clinical testing. Allele origin: germline.
Comment: This variant is classified as likely benign based on ACMG/AMP sequence variant interpretation guidelines (Richards et al. 2015 PMID: 25741868, with internal and published modifications).

NM_017553.3(INO80):c.382-5T>C

Gene: INO80 (INO80 complex ATPase subunit; minus strand). Cytogenetic location: 15q15.1.
Variant type: single nucleotide variant.
Coding change: c.382-5T>C on transcript NM_017553.3 (MANE Select); 5 bases into the intron before coding-DNA position 382, T replaced by C.
Molecular consequence: intron variant.
Genome position (GRCh38, 1-based): chr15:41,092,187, A>G on the plus strand (T>C on the coding strand, the complement: INO80 is on the minus strand). VCF-style: chr15-41092187-A-G. GRCh37 (hg19) VCF-style: chr15-41384385-A-G.
Identifiers: ClinVar variation 4993522 (VCV004993522.1).